The following is an entry in ClinVar:

ClinVar aggregate classification (germline): Conflicting classifications of pathogenicity. Review status: criteria provided, conflicting classifications (1 of 4 stars). 3 submissions from 3 submitters: Uncertain significance (2); Likely benign (1). Last evaluated 2024-01-29.

Conditions:
Emery-Dreifuss muscular dystrophy 5, autosomal dominant (EDMD5). Also called: EMERY-DREIFUSS MUSCULAR DYSTROPHY 5. Identifiers: Orphanet 261, MedGen C2751805, MONDO:0013072, OMIM 612999.
SYNE2-related disorder. Also called: SYNE2-related condition.

Allele frequency attached by ClinVar (database versions not stated): gnomAD exomes 0.00001 and 0.00002; ExAC 0.00002; gnomAD 0.00003 and 0.00004; TOPMed 0.00010.
gnomAD v4.1: 33 of 1,614,034 alleles (0.002%); highest among the groups gnomAD compares: Middle Eastern, 0.033%; 1 homozygote.

Submissions (3):

Labcorp Genetics (formerly Invitae), Labcorp
Classification: Uncertain significance for Emery-Dreifuss muscular dystrophy 5, autosomal dominant. Last evaluated: 2024-01-29. Review status: criteria provided, single submitter. Criteria: Invitae Variant Classification Sherloc (09022015). Collection method: clinical testing. Allele origin: germline.
Comment: This sequence change affects codon 4220 of the SYNE2 mRNA. It is a 'silent' change, meaning that it does not change the encoded amino acid sequence of the SYNE2 protein. This variant is present in population databases (rs745820221, gnomAD 0.003%). This variant has not been reported in the literature in individuals affected with SYNE2-related conditions. ClinVar contains an entry for this variant (Variation ID: 664265). Algorithms developed to predict the effect of sequence changes on RNA splicing suggest that this variant may create or strengthen a splice site. In summary, the available evidence is currently insufficient to determine the role of this variant in disease. Therefore, it has been classified as a Variant of Uncertain Significance.

PreventionGenetics, part of Exact Sciences
Classification: Uncertain significance for SYNE2-related condition. Last evaluated: 2022-10-04. Review status: criteria provided, single submitter. Criteria: ACMG Guidelines, 2015. Collection method: clinical testing. Allele origin: germline.
Comment: The SYNE2 c.12660A>G variant is not predicted to result in an amino acid change (p.=). This variant may generate a novel cryptic acceptor splice site according to available splicing prediction programs (Alamut Visual v2.11). To our knowledge, this variant has not been reported in the literature. This variant is reported in 0.0033% of alleles in individuals of South Asian descent in gnomAD. At this time, the clinical significance of this variant is uncertain due to the absence of conclusive functional and genetic evidence.

Illumina Laboratory Services, Illumina
Classification: Likely benign for Emery-Dreifuss muscular dystrophy 5, autosomal dominant. Last evaluated: 2018-01-13. Review status: criteria provided, single submitter. Criteria: ICSL Variant Classification Criteria 13 December 2019. Collection method: clinical testing. Allele origin: germline.
Comment: This variant was observed in the ICSL laboratory as part of a predisposition screen in an ostensibly healthy population. It had not been previously curated by ICSL or reported in the Human Gene Mutation Database (HGMD: prior to June 1st, 2018), and was therefore a candidate for classification through an automated scoring system. Utilizing variant allele frequency, disease prevalence and penetrance estimates, and inheritance mode, an automated score was calculated to assess if this variant is too frequent to cause the disease. Based on the score and internal cut-off values, a variant classified as likely benign is not then subjected to further curation. The score for this variant resulted in a classification of likely benign for this disease.

NM_182914.3(SYNE2):c.12660A>G (p.Gln4220=)

Gene: SYNE2 (spectrin repeat containing nuclear envelope protein 2; plus strand). Cytogenetic location: 14q23.2.
Variant type: single nucleotide variant.
Coding change: c.12660A>G on transcript NM_182914.3 (MANE Select); coding-DNA position 12660, A replaced by G.
Protein change: p.Gln4220=; no amino-acid change (glutamine 4220 retained).
Molecular consequence: synonymous variant.
Genome position (GRCh38, 1-based): chr14:64,113,391, A>G. VCF-style: chr14-64113391-A-G. GRCh37 (hg19) VCF-style: chr14-64580109-A-G.
Other names: c.12660A>G, p.Gln4220= (NM_015180.6).
Identifiers: ClinVar variation 664265 (VCV000664265.12), dbSNP rs745820221, ClinGen allele CA7222233.